The following is an entry in ClinVar:

NM_020778.5(ALPK3):c.2221C>T (p.Leu741Phe)

Gene: ALPK3 (alpha kinase 3; plus strand). Cytogenetic location: 15q25.3.
Variant type: single nucleotide variant.
Coding change: c.2221C>T on transcript NM_020778.5 (MANE Select); coding-DNA position 2221, C replaced by T.
Protein change: p.Leu741Phe; replaces leucine 741 with phenylalanine.
Molecular consequence: missense variant.
Genome position (GRCh38, 1-based): chr15:84,856,959, C>T. VCF-style: chr15-84856959-C-T. GRCh37 (hg19) VCF-style: chr15-85400190-C-T.
Other names: short protein forms L741F.
Identifiers: ClinVar variation 2796677 (VCV002796677.3), dbSNP rs1265508575, ClinGen allele CA393356379.

ClinVar aggregate classification (germline): Uncertain significance (1 of 4 stars; one submission).

Allele frequency attached by ClinVar (database versions not stated): gnomAD exomes below 0.00001.
gnomAD v4.1: 2 of 1,614,158 alleles (0.00012%); highest among the groups gnomAD compares: Non-Finnish European, 0.00017%; no homozygotes.

Submission:

Labcorp Genetics (formerly Invitae), Labcorp
Classification: Uncertain significance. Last evaluated: 2023-06-01. Review status: criteria provided, single submitter. Criteria: Invitae Variant Classification Sherloc (09022015). Collection method: clinical testing. Allele origin: germline.
Comment: This variant is present in population databases (no rsID available, gnomAD 0.0009%). This sequence change replaces leucine, which is neutral and non-polar, with phenylalanine, which is neutral and non-polar, at codon 943 of the ALPK3 protein (p.Leu943Phe). This variant has not been reported in the literature in individuals affected with ALPK3-related conditions. In summary, the available evidence is currently insufficient to determine the role of this variant in disease. Therefore, it has been classified as a Variant of Uncertain Significance. Algorithms developed to predict the effect of missense changes on protein structure and function output the following: SIFT: "Not Available"; PolyPhen-2: "Benign"; Align-GVGD: "Not Available". The phenylalanine amino acid residue is found in multiple mammalian species, which suggests that this missense change does not adversely affect protein function.